The following is an entry in ClinVar:

ClinVar aggregate classification (germline): Pathogenic (1 of 4 stars; one submission).

Submission:

Labcorp Genetics (formerly Invitae), Labcorp
Classification: Pathogenic. Last evaluated: 2023-02-11. Review status: criteria provided, single submitter. Criteria: Invitae Variant Classification Sherloc (09022015). Collection method: clinical testing. Allele origin: germline.
Comment: This sequence change affects an acceptor splice site in intron 6 of the COL17A1 gene. It is expected to disrupt RNA splicing. Variants that disrupt the donor or acceptor splice site typically lead to a loss of protein function (PMID: 16199547), and loss-of-function variants in COL17A1 are known to be pathogenic (PMID: 16473856, 17344927, 20301304, 21357940, 24319098). This variant is not present in population databases (gnomAD no frequency). Disruption of this splice site has been observed in individual(s) with junctional epidermolysis bullosa (PMID: 33393081). In at least one individual the data is consistent with being in trans (on the opposite chromosome) from a pathogenic variant. Algorithms developed to predict the effect of sequence changes on RNA splicing suggest that this variant may disrupt the consensus splice site. For these reasons, this variant has been classified as Pathogenic.

Literature cited by the submitters: PubMed 16199547; PubMed 16473856; PubMed 17344927; PubMed 20301304; PubMed 21357940; PubMed 24319098; PubMed 33393081.

NM_000494.4(COL17A1):c.380-2A>C

Gene: COL17A1 (collagen type XVII alpha 1 chain; minus strand). Cytogenetic location: 10q25.1.
Variant type: single nucleotide variant.
Coding change: c.380-2A>C on transcript NM_000494.4 (MANE Select); the canonical splice acceptor site of the intron before coding-DNA position 380, A replaced by C.
Molecular consequence: splice acceptor variant.
Genome position (GRCh38, 1-based): chr10:104,073,247, T>G on the plus strand (A>C on the coding strand, the complement: COL17A1 is on the minus strand). VCF-style: chr10-104073247-T-G. GRCh37 (hg19) VCF-style: chr10-105833005-T-G.
Identifiers: ClinVar variation 2836204 (VCV002836204.3), dbSNP rs2493381641, ClinGen allele CA378080258.
Genomic context (GRCh38, chr10:104,073,247, plus strand): 5'-CTGAACCCAGTGACAGCACTCACCTCGTGTTTGACTCCGTCCTCTGGTTGAAGAAGATGC[T>G]GAGAAACAAAGAAATGCATTTTTAGGCATATATAAGAGGTGGCATGCTAAATACTTTTGA-3'